The following is an entry in ClinVar:

ClinVar aggregate classification (germline): Conflicting classifications of pathogenicity. Review status: criteria provided, conflicting classifications (1 of 4 stars). 2 submissions from 2 submitters: Likely pathogenic (1); Uncertain significance (1). Last evaluated 2025-12-12.

Conditions:
Gaucher disease. Also called: Acute cerebral Gaucher disease; Cerebroside lipidosis syndrome; Gaucher splenomegaly; Sphingolipidosis 1; Glucocerebrosidosis; Glucosylceramidase deficiency. Identifiers: Orphanet 355, MedGen C0017205, MONDO:0018150.

Submissions (2):

Natera, Inc.
Classification: Likely pathogenic for Gaucher disease. Last evaluated: 2025-12-12. Review status: criteria provided, single submitter. Criteria: Natera Variant Classification Schema (03/2026). Collection method: clinical testing. Allele origin: germline.
Comment: The c.521A>C variant in GBA1 is a missense variant predicted to cause substitution of tyrosine to serine at amino acid 174. This variant is rare in the general population with a frequency below the threshold expected for the associated phenotype(s). This variant has been observed in one or more individuals affected with the associated recessive disease, as either homozygous or compound heterozygous with a second variant (PMID: 32547927, 17464953). A different variant at the same position has been determined to be Pathogenic or Likely Pathogenic. Computational prediction algorithms indicate this variant is likely to affect gene or protein function. Given the available evidence, this variant is classified as Likely Pathogenic.

Women's Health and Genetics/Laboratory Corporation of America, LabCorp
Classification: Uncertain significance. Last evaluated: 2024-08-05. Review status: criteria provided, single submitter. Criteria: LabCorp Variant Classification Summary - May 2015. Collection method: clinical testing. Allele origin: germline.
Comment: Variant summary: GBA1 c.521A>C (p.Tyr174Ser) results in a non-conservative amino acid change located in the Glycosyl hydrolase family 30, TIM-barrel domain (IPR033453) of the encoded protein sequence. Five of five in-silico tools predict a damaging effect of the variant on protein function. The frequency of this variant in the general population could not be determined as the technology used for large population databases (ExAC, gnomAD, ESP, 1000G) cannot detect variants of this type. The available data on variant occurrences in the general population are insufficient to allow any conclusion about variant significance. c.521A>C has been reported in the literature in a compound heterozygous individual affected with Gaucher Disease (Dimitriou_2020). These data do not allow any conclusion about variant significance. To our knowledge, no experimental evidence demonstrating an impact on protein function has been reported. The following publications have been ascertained in the context of this evaluation (PMID: 35614200, 32547927). No submitters have cited clinical-significance assessments for this variant to ClinVar. Based on the evidence outlined above, the variant was classified as uncertain significance.

Literature cited by the submitters: PubMed 32547927 (cited by Natera, Inc. and Women's Health and Genetics/Laboratory Corporation of America, LabCorp); PubMed 17464953 (cited by Natera, Inc.); PubMed 35614200 (cited by Women's Health and Genetics/Laboratory Corporation of America, LabCorp).

NM_000157.4(GBA1):c.521A>C (p.Tyr174Ser)

Genes: GBA1 (glucosylceramidase beta 1; minus strand), LOC106627981 (GBA recombination region; plus strand). Cytogenetic location: 1q22.
Variant type: single nucleotide variant.
Coding change: c.521A>C on transcript NM_000157.4 (MANE Select); coding-DNA position 521, A replaced by C.
Protein change: p.Tyr174Ser; replaces tyrosine 174 with serine.
Molecular consequence: missense variant.
Genome position (GRCh38, 1-based): chr1:155,238,584, T>G on the plus strand (A>C on the coding strand, the complement: GBA1 is on the minus strand). VCF-style: chr1-155238584-T-G. GRCh37 (hg19) VCF-style: chr1-155208375-T-G.
Other names: c.521A>C (NM_000157.3); c.521A>C, p.Tyr174Ser (NM_001005741.3, NM_001005742.3); c.260A>C, p.Tyr87Ser (NM_001171811.2); c.374A>C, p.Tyr125Ser (NM_001171812.2); short protein forms Y125S, Y174S, Y87S.
Identifiers: ClinVar variation 3366489 (VCV003366489.2).